The following is an entry in ClinVar:

ClinVar aggregate classification (germline): Uncertain significance (1 of 4 stars; one submission).

Submission:

GeneDx
Classification: Uncertain significance. Last evaluated: 2025-10-24. Review status: criteria provided, single submitter. Criteria: GeneDx Variant Classification Process June 2021. Collection method: clinical testing. Allele origin: germline.
Comment: Not observed at significant frequency in large population cohorts (gnomAD); In silico analysis supports that this missense variant has a deleterious effect on protein structure/function; Has not been previously published as pathogenic or benign to our knowledge; Occurs in the triple helical domain at the Y position in the canonical Gly-X-Y repeat; although this variant may have an effect on normal protein folding and function, missense substitution at the Y position is not a common mechanism of disease

NM_001845.6(COL4A1):c.3047T>C (p.Met1016Thr)

Gene: COL4A1 (collagen type IV alpha 1 chain; minus strand). Cytogenetic location: 13q34.
Variant type: single nucleotide variant.
Coding change: c.3047T>C on transcript NM_001845.6 (MANE Select); coding-DNA position 3047, T replaced by C.
Protein change: p.Met1016Thr; replaces methionine 1016 with threonine.
Molecular consequence: missense variant.
Genome position (GRCh38, 1-based): chr13:110,176,435, A>G on the plus strand (T>C on the coding strand, the complement: COL4A1 is on the minus strand). VCF-style: chr13-110176435-A-G. GRCh37 (hg19) VCF-style: chr13-110828782-A-G.
Other names: short protein forms M1016T.
Identifiers: ClinVar variation 3602997 (VCV003602997.2).